The following is an entry in ClinVar:

NM_001082538.3(TCTN1):c.977A>T (p.Glu326Val)

Gene: TCTN1 (tectonic family member 1; plus strand). Cytogenetic location: 12q24.11.
Variant type: single nucleotide variant.
Coding change: c.977A>T on transcript NM_001082538.3 (MANE Select); coding-DNA position 977, A replaced by T.
Protein change: p.Glu326Val; replaces glutamic acid 326 with valine.
Molecular consequence: missense variant. On other transcripts: non-coding transcript variant (1).
Genome position (GRCh38, 1-based): chr12:110,640,516, A>T. VCF-style: chr12-110640516-A-T. GRCh37 (hg19) VCF-style: chr12-111078321-A-T.
Other names: c.977A>T, p.Glu326Val (NM_001082537.3, NM_001319680.2); c.809A>T, p.Glu270Val (NM_001173975.3); c.797A>T, p.Glu266Val (NM_001173976.2); c.443A>T, p.Glu148Val (NM_001319681.2); c.935A>T, p.Glu312Val (NM_024549.6); short protein forms E270V, E312V, E326V, E148V, E266V.
Identifiers: ClinVar variation 4782339 (VCV004782339.1).

ClinVar aggregate classification (germline): Uncertain significance (1 of 4 stars; one submission).

Conditions:
Meckel-Gruber syndrome. Also called: GRUBER SYNDROME; DYSENCEPHALIA SPLANCHNOCYSTICA; Dysencephalia splachnocystica. Identifiers: Orphanet 564, MedGen C0265215, MONDO:0018921.
Joubert syndrome. Also called: Familial aplasia of the vermis; JOUBERT-BOLTSHAUSER SYNDROME; CEREBELLOPARENCHYMAL DISORDER IV. Identifiers: Orphanet 475, MedGen C5979921, MONDO:0018772.

Submission:

Labcorp Genetics (formerly Invitae), Labcorp
Classification: Uncertain significance for Joubert syndrome; Meckel-Gruber syndrome. Last evaluated: 2025-03-05. Review status: criteria provided, single submitter. Criteria: Invitae Variant Classification Sherloc (09022015). Collection method: clinical testing. Allele origin: germline.
Comment: This sequence change replaces glutamic acid, which is acidic and polar, with valine, which is neutral and non-polar, at codon 326 of the TCTN1 protein (p.Glu326Val). This variant is not present in population databases (gnomAD no frequency). This variant has not been reported in the literature in individuals affected with TCTN1-related conditions. An algorithm developed to predict the effect of missense changes on protein structure and function (PolyPhen-2) suggests that this variant is likely to be disruptive. In summary, the available evidence is currently insufficient to determine the role of this variant in disease. Therefore, it has been classified as a Variant of Uncertain Significance.